The following is an entry in ClinVar:

NM_001165963.4(SCN1A):c.2856G>A (p.Trp952Ter)

Gene: SCN1A (sodium voltage-gated channel alpha subunit 1; minus strand). Cytogenetic location: 2q24.3.
Variant type: single nucleotide variant.
Coding change: c.2856G>A on transcript NM_001165963.4 (MANE Select); coding-DNA position 2856, G replaced by A.
Protein change: p.Trp952Ter; replaces tryptophan 952 with a stop codon.
Molecular consequence: nonsense. On other transcripts: non-coding transcript variant (1).
Genome position (GRCh38, 1-based): chr2:166,037,866, C>T on the plus strand (G>A on the coding strand, the complement: SCN1A is on the minus strand). VCF-style: chr2-166037866-C-T. GRCh37 (hg19) VCF-style: chr2-166894376-C-T.
Other names: c.2772G>A, p.Trp924Ter (NM_001165964.3, NM_001353957.2, NM_001353958.2); c.2856G>A, p.Trp952Ter (NM_001202435.3, NM_001353948.2); c.2823G>A, p.Trp941Ter (NM_001353949.2, NM_001353950.2, NM_001353951.2 and 2 more transcripts); c.2820G>A, p.Trp940Ter (NM_001353954.2, NM_001353955.2); c.2769G>A, p.Trp923Ter (NM_001353960.2); c.414G>A, p.Trp138Ter (NM_001353961.2); short protein forms W138*, W923*, W940*, W941*, W952*, W924*.
Identifiers: ClinVar variation 1451569 (VCV001451569.9), dbSNP rs1553541193, ClinGen allele CA349061140.

ClinVar aggregate classification (germline): Pathogenic (1 of 4 stars; one submission).

Conditions:
Early-infantile DEE. Also called: Early infantile epileptic encephalopathy; Ohtahara syndrome; Early infantile epileptic encephalopathy with suppression bursts. Identifiers: Orphanet 1934, MedGen C0393706, MONDO:0800491.

Submission:

Labcorp Genetics (formerly Invitae), Labcorp
Classification: Pathogenic for Early-infantile DEE. Last evaluated: 2024-02-23. Review status: criteria provided, single submitter. Criteria: Invitae Variant Classification Sherloc (09022015). Collection method: clinical testing. Allele origin: germline.
Comment: This sequence change creates a premature translational stop signal (p.Trp952*) in the SCN1A gene. It is expected to result in an absent or disrupted protein product. Loss-of-function variants in SCN1A are known to be pathogenic (PMID: 17347258, 18930999). This variant is not present in population databases (gnomAD no frequency). This premature translational stop signal has been observed in individual(s) with clinical features of Dravet syndrome (PMID: 21248271). ClinVar contains an entry for this variant (Variation ID: 1451569). For these reasons, this variant has been classified as Pathogenic.

Literature cited by the submitters: PubMed 17347258; PubMed 18930999; PubMed 21248271.